The following is an entry in ClinVar:

NM_133372.3(FNIP1):c.73G>C (p.Asp25His)

Genes: FNIP1 (folliculin interacting protein 1; minus strand), LOC129994555 (ATAC-STARR-seq lymphoblastoid silent region 16308; plus strand). Cytogenetic location: 5q31.1.
Variant type: single nucleotide variant.
Coding change: c.73G>C on transcript NM_133372.3 (MANE Select); coding-DNA position 73, G replaced by C.
Protein change: p.Asp25His; replaces aspartic acid 25 with histidine.
Molecular consequence: missense variant.
Genome position (GRCh38, 1-based): chr5:131,796,849, C>G on the plus strand (G>C on the coding strand, the complement: FNIP1 is on the minus strand). VCF-style: chr5-131796849-C-G. GRCh37 (hg19) VCF-style: chr5-131132542-C-G.
Other names: c.73G>C, p.Asp25His (NM_001008738.3, NM_001346113.2, NM_001346114.2); short protein forms D25H.
Identifiers: ClinVar variation 1924011 (VCV001924011.5), dbSNP rs763829424, ClinGen allele CA3401056.

ClinVar aggregate classification (germline): Uncertain significance (1 of 4 stars; one submission).

Submission:

Labcorp Genetics (formerly Invitae), Labcorp
Classification: Uncertain significance. Last evaluated: 2024-02-23. Review status: criteria provided, single submitter. Criteria: Invitae Variant Classification Sherloc (09022015). Collection method: clinical testing. Allele origin: germline.
Comment: This sequence change replaces aspartic acid, which is acidic and polar, with histidine, which is basic and polar, at codon 25 of the FNIP1 protein (p.Asp25His). This variant is present in population databases (rs763829424, gnomAD 0.004%). This variant has not been reported in the literature in individuals affected with FNIP1-related conditions. ClinVar contains an entry for this variant (Variation ID: 1924011). An algorithm developed to predict the effect of missense changes on protein structure and function (PolyPhen-2) suggests that this variant is likely to be disruptive. In summary, the available evidence is currently insufficient to determine the role of this variant in disease. Therefore, it has been classified as a Variant of Uncertain Significance.